The following is an entry in ClinVar:

NM_000212.3(ITGB3):c.72C>T (p.Gly24=)

Gene: ITGB3 (integrin subunit beta 3; plus strand). Cytogenetic location: 17q21.32.
Variant type: single nucleotide variant.
Coding change: c.72C>T on transcript NM_000212.3 (MANE Select); coding-DNA position 72, C replaced by T.
Protein change: p.Gly24=; no amino-acid change (glycine 24 retained).
Molecular consequence: synonymous variant.
Genome position (GRCh38, 1-based): chr17:47,253,933, C>T. VCF-style: chr17-47253933-C-T. GRCh37 (hg19) VCF-style: chr17-45331299-C-T.
Other names: NM_000212.3(ITGB3):c.72C>T; p.Gly24=.
Identifiers: ClinVar variation 889446 (VCV000889446.34), dbSNP rs768269394, ClinGen allele CA8622840.

ClinVar aggregate classification (germline): Likely benign. Review status: reviewed by expert panel (3 of 4 stars). 5 submissions from 5 submitters: Likely benign (1). 4 of the submissions do not count toward it. Last evaluated 2023-06-01.

Conditions:
Glanzmann thrombasthenia. Also called: THROMBASTHENIA OF GLANZMANN AND NAEGELI; PLATELET GLYCOPROTEIN IIb-IIIa DEFICIENCY; Thrombasthenia; Glanzmann's thrombasthenia. Identifiers: Orphanet 849, MedGen C0040015, MONDO:0100326.

Allele frequency attached by ClinVar (database versions not stated): TOPMed 0.00047; gnomAD 0.00052 and 0.00053; gnomAD exomes 0.00055; ExAC 0.00212.

Submissions (5):

ClinGen Platelet Disorders Variant Curation Expert Panel, ClinGen
Classification: Likely benign for Glanzmann thrombasthenia. Last evaluated: 2023-06-01. Review status: reviewed by expert panel. Criteria: ClinGen Platelet ACMG Specifications v2-1. Collection method: curation. Allele origin: germline. Inheritance: Autosomal recessive inheritance.
Comment: After a comprehensive literature search of the synonymous variant NM_000212.3(ITGB3):c.72C>T (p.Gly24=), no individuals with Glanzmann thrombasthenia were reported with the variant and has only been observed in a ostensibly healthy population. The variant has a minor allele frequency of 0.00110 (18/16424 alleles) in the South Asian population in gnomAD, which does not meet our threshold criteria for PM2_supporting or BS1. In silico predictor SpliceAI revealed that the synonymous mutation is not expected to impact splicing and a PhyloP score of -0.28 shows that the nucleotide position is not highly conserved (BP4, BP7). In summary, this variant meets the criteria to be classified as Likely Benign for autosomal recessive Glanzmann Thrombasthenia based on the ACMG/AMP criteria applied, as specified by the ClinGen PD VCEP: BP4, BP7 (PD VCEP specifications version 2.1).

Labcorp Genetics (formerly Invitae), Labcorp
Classification: Likely benign. Last evaluated: 2026-02-02. Review status: criteria provided, single submitter. Criteria: Invitae Variant Classification Sherloc (09022015). Collection method: clinical testing. Allele origin: germline. Not counted in ClinVar's aggregate classification.

Blueprint Genetics
Classification: Likely benign. Last evaluated: 2024-11-19. Review status: criteria provided, single submitter. Criteria: ACMG Guidelines, 2015. Collection method: clinical testing. Allele origin: germline. Not counted in ClinVar's aggregate classification.

CeGaT Center for Human Genetics Tuebingen
Classification: Likely benign. Last evaluated: 2024-08-01. Review status: criteria provided, single submitter. Criteria: CeGaT Center For Human Genetics Tuebingen Variant Classification Criteria Version 2. Collection method: clinical testing. Allele origin: germline. Affected: yes. Observed: 2 variant alleles. Not counted in ClinVar's aggregate classification.
Comment: ITGB3: BP4, BP7

Illumina Laboratory Services, Illumina
Classification: Benign for Glanzmann thrombasthenia 1. Last evaluated: 2018-01-13. Review status: criteria provided, single submitter. Criteria: ICSL Variant Classification Criteria 13 December 2019. Collection method: clinical testing. Allele origin: germline. Not counted in ClinVar's aggregate classification.
Comment: This variant was observed in the ICSL laboratory as part of a predisposition screen in an ostensibly healthy population. It had not been previously curated by ICSL or reported in the Human Gene Mutation Database (HGMD: prior to June 1st, 2018), and was therefore a candidate for classification through an automated scoring system. Utilizing variant allele frequency, disease prevalence and penetrance estimates, and inheritance mode, an automated score was calculated to assess if this variant is too frequent to cause the disease. Based on the score and internal cut-off values, a variant classified as benign is not then subjected to further curation. The score for this variant resulted in a classification of benign for this disease.